The following is an entry in ClinVar:

ClinVar aggregate classification (germline): Likely pathogenic (1 of 4 stars; one submission).

Conditions:
Hearing loss, autosomal recessive 57. Also called: DEAFNESS, AUTOSOMAL RECESSIVE 57. Identifiers: MedGen C4693893, MONDO:0033201, OMIM 618003.
Usher syndrome type 2C. Also called: Usher syndrome, type 2B; USHER SYNDROME, TYPE IIC. Identifiers: Orphanet 231178, Orphanet 886, MedGen C2931213, MONDO:0011558, OMIM 605472.
Usher syndrome type 2A. Also called: RETINAL DISEASE IN USHER SYNDROME TYPE IIA, MODIFIER OF; USHER SYNDROME, TYPE IIA. Identifiers: Orphanet 231178, Orphanet 886, MedGen C1848634, MONDO:0010169, OMIM 276901.

Submission:

Juno Genomics, Hangzhou Juno Genomics, Inc
Classification: Likely pathogenic for Usher syndrome type 2A; Hearing loss, autosomal recessive 57; Usher syndrome type 2C. Review status: criteria provided, single submitter. Criteria: ACMG Guidelines, 2015. Collection method: clinical testing. Allele origin: germline.
Comment: Null variant in a gene where loss of function (LOF) is a known mechanism of disease.;Absent from controls (or at extremely low frequency if recessive) in Genome Aggregation Database.

NM_001195263.2(PDZD7):c.1351A>T (p.Lys451Ter)

Gene: PDZD7 (PDZ domain containing 7; minus strand). Cytogenetic location: 10q24.31.
Variant type: single nucleotide variant.
Coding change: c.1351A>T on transcript NM_001195263.2 (MANE Select); coding-DNA position 1351, A replaced by T.
Protein change: p.Lys451Ter; replaces lysine 451 with a stop codon.
Molecular consequence: nonsense. On other transcripts: missense variant (1).
Genome position (GRCh38, 1-based): chr10:101,018,270, T>A on the plus strand (A>T on the coding strand, the complement: PDZD7 is on the minus strand). VCF-style: chr10-101018270-T-A. GRCh37 (hg19) VCF-style: chr10-102778027-T-A.
Other names: c.1379A>T, p.Glu460Val (NM_001351044.2); c.1351A>T, p.Lys451Ter (NM_001437429.1, NM_024895.5); short protein forms E460V, K451*.
Identifiers: ClinVar variation 5007441 (VCV005007441.2).